The following is an entry in ClinVar:

ClinVar aggregate classification (germline): Conflicting classifications of pathogenicity. Review status: criteria provided, conflicting classifications (1 of 4 stars). 11 submissions from 11 submitters: Uncertain significance (6); Likely benign (4). 1 of the submissions does not count toward it. Last evaluated 2025-10-08.

Conditions:
Inherited breast cancer and ovarian cancer.
BRCA2-related disorder. Also called: BRCA2-related condition; BRCA2-related disorders. Identifiers: MedGen CN239275.
Hereditary cancer-predisposing syndrome. Also called: Hereditary neoplastic syndrome; Tumor predisposition; Hereditary Cancer Syndrome; Neoplastic Syndromes, Hereditary. Identifiers: Orphanet 140162, MedGen C0027672, MeSH D009386, MONDO:0015356.
Hereditary breast ovarian cancer syndrome. Also called: Breast and ovarian cancer; Hereditary breast and/or ovarian cancer syndrome; BRCA1- and BRCA2-Associated Hereditary Breast and Ovarian Cancer; Hereditary breast and ovarian cancer syndrome; Hereditary breast and ovarian cancer; Hereditary breast and ovarian cancer syndrome (HBOC). Identifiers: Orphanet 145, MedGen C0677776, MeSH D061325, MONDO:0003582. Disease mechanism: loss of function.
Breast-ovarian cancer, familial, susceptibility to, 2 (BROVCA2). Also called: BRCA2 Hereditary Breast and Ovarian Cancer. Identifiers: Orphanet 145, MedGen C2675520, MONDO:0012933, OMIM 612555. Disease mechanism: loss of function.

Allele frequency attached by ClinVar (database versions not stated): gnomAD exomes below 0.00001; ExAC 0.00001; TOPMed 0.00002; gnomAD 0.00005 and 0.00006; ESP Exome Variant Server 0.00008.
gnomAD v4.1: 12 of 1,607,092 alleles (0.00075%); highest among the groups gnomAD compares: African/African-American, 0.016%; no homozygotes.

Submissions (11):

Cambridge Genomics Laboratory, East Genomic Laboratory Hub, NHS Genomic Medicine Service
Classification: Uncertain significance for Inherited breast cancer and ovarian cancer. Last evaluated: 2025-10-08. Review status: criteria provided, single submitter. Criteria: ACGS Best Practice Guidelines for Variant Classification in Rare Disease 2020. Collection method: clinical testing. Allele origin: germline. Affected: yes.

Quest Diagnostics Nichols Institute San Juan Capistrano
Classification: Uncertain significance. Last evaluated: 2025-10-03. Review status: criteria provided, single submitter. Criteria: Quest Diagnostics criteria. Collection method: clinical testing. Allele origin: unknown.
Comment: The BRCA2 c.6541G>C (p.Gly2181Arg) variant has been reported in the published literature to be located in a region of the BRCA2 gene that is tolerant to missense sequence changes (PMID: 31911673 (2020)). To the best of our knowledge, this variant has not been reported in individuals with BRCA2-related conditions. The frequency of this variant in the general population (Genome Aggregation Database) is uninformative in the assessment of its pathogenicity. Analysis of this variant using bioinformatics tools for the prediction of the effect of amino acid changes on protein structure and function yielded predictions that this variant is benign. Based on the available information, we are unable to determine the clinical significance of this variant.

Labcorp Genetics (formerly Invitae), Labcorp
Classification: Likely benign for Hereditary breast ovarian cancer syndrome. Last evaluated: 2025-09-30. Review status: criteria provided, single submitter. Criteria: Invitae Variant Classification Sherloc (09022015). Collection method: clinical testing. Allele origin: germline.

PreventionGenetics, part of Exact Sciences
Classification: Uncertain significance for BRCA2-related condition. Last evaluated: 2025-09-22. Review status: criteria provided, single submitter. Criteria: ACMG Guidelines, 2015. Collection method: clinical testing. Allele origin: germline.
Comment: The BRCA2 c.6541G>C variant is predicted to result in the amino acid substitution p.Gly2181Arg. To our knowledge, this variant has not been reported in association with disease in the literature. This variant is reported in 0.012% of alleles in individuals of African descent in gnomAD and has conflicting interpretations in ClinVar, ranging from likely benign to uncertain significance (Variation: 38051). This variant occurs within a region of the BRCA2 gene that is predicted to be tolerant to missense variation (Table 2, Dines et al. 2020. PubMed ID: 31911673). Although we suspect that this variant may be benign, at this time, the clinical significance of this variant is uncertain due to the absence of conclusive functional and genetic evidence.

Ambry Genetics
Classification: Uncertain significance for Hereditary cancer-predisposing syndrome. Last evaluated: 2023-12-18. Review status: criteria provided, single submitter. Criteria: Ambry Variant Classification Scheme 2023. Collection method: clinical testing. Allele origin: germline.
Comment: The p.G2181R variant (also known as c.6541G>C), located in coding exon 10 of the BRCA2 gene, results from a G to C substitution at nucleotide position 6541. The glycine at codon 2181 is replaced by arginine, an amino acid with dissimilar properties. This amino acid position is not well conserved in available vertebrate species. In addition, this alteration is predicted to be tolerated by in silico analysis. Since supporting evidence is limited at this time, the clinical significance of this alteration remains unclear.

University of Washington Department of Laboratory Medicine, University of Washington
Classification: Likely benign for Hereditary cancer-predisposing syndrome. Last evaluated: 2023-03-23. Review status: criteria provided, single submitter. Criteria: Dines et al. (Genet Med. 2020). Collection method: curation. Allele origin: germline.
Comment: Missense variant in a coldspot region where missense variants are very unlikely to be pathogenic (PMID:31911673).

BRCA2 exon 11 coldspot. Reclassification based on statistical prior probability.

St. Jude Molecular Pathology, St. Jude Children's Research Hospital
Classification: Uncertain significance for Breast-ovarian cancer, familial, susceptibility to, 2. Last evaluated: 2023-03-15. Review status: criteria provided, single submitter. Criteria: St. Jude Assertion Criteria 2020. Collection method: clinical testing. Allele origin: germline.
Comment: The BRCA2 c.6541G>C (p.Gly2181Arg) missense change has a maximum subpopulation frequency of 0.012% in gnomAD v2.1.1. The in silico tool REVEL is inconclusive about a pathogenic or benign effect of this variant on protein function, and to our knowledge functional studies have not been performed. This variant is absent in a database of women older than 70 years of age who have never had cancer (FLOSSIES database). To our knowledge, this variant has not been reported in individuals with hereditary breast and ovarian cancer or Fanconi anemia. In summary, the evidence currently available is insufficient to determine the clinical significance of this variant. It has therefore been classified as of uncertain significance.

Women's Health and Genetics/Laboratory Corporation of America, LabCorp
Classification: Uncertain significance. Last evaluated: 2019-10-07. Review status: criteria provided, single submitter. Criteria: LabCorp Variant Classification Summary - May 2015. Collection method: clinical testing. Allele origin: germline.
Comment: Variant summary: BRCA2 c.6541G>C (p.Gly2181Arg) results in a non-conservative amino acid change in the encoded protein sequence. Four of five in-silico tools predict a benign effect of the variant on protein function. The variant allele was found at a frequency of 4.1e-06 in 244056 control chromosomes (gnomAD). The available data on variant occurrences in the general population are insufficient to allow any conclusion about variant significance. To our knowledge, no occurrence of c.6541G>C in individuals affected with Hereditary Breast and Ovarian Cancer and no experimental evidence demonstrating its impact on protein function have been reported. Six ClinVar submissions (evaluation after 2014) cites the variant twice as likely benign and four times as uncertain significance. Based on the evidence outlined above, the variant was classified as uncertain significance.

GeneDx
Classification: Likely benign. Last evaluated: 2017-08-17. Review status: criteria provided, single submitter. Criteria: GeneDx Variant Classification (06012015). Collection method: clinical testing. Allele origin: germline. Affected: yes.
Comment: This variant is considered likely benign or benign based on one or more of the following criteria: it is a conservative change, it occurs at a poorly conserved position in the protein, it is predicted to be benign by multiple in silico algorithms, and/or has population frequency not consistent with disease.

Color Diagnostics, LLC DBA Color Health
Classification: Likely benign for Hereditary cancer-predisposing syndrome. Last evaluated: 2017-05-22. Review status: criteria provided, single submitter. Criteria: ACMG Guidelines, 2015. Collection method: clinical testing. Allele origin: germline.

Sharing Clinical Reports Project (SCRP)
Classification: Likely benign for Breast-ovarian cancer, familial 2. Last evaluated: 2012-05-21. Review status: no assertion criteria provided. Collection method: clinical testing. Allele origin: germline. Not counted in ClinVar's aggregate classification.

Literature cited by the submitters: PubMed 31911673 (cited by Quest Diagnostics Nichols Institute San Juan Capistrano); PubMed 29884841 (cited by Quest Diagnostics Nichols Institute San Juan Capistrano); PubMed 31484976 (cited by Quest Diagnostics Nichols Institute San Juan Capistrano); PubMed 30212499 (cited by Quest Diagnostics Nichols Institute San Juan Capistrano and Women's Health and Genetics/Laboratory Corporation of America, LabCorp).

NM_000059.4(BRCA2):c.6541G>C (p.Gly2181Arg)

Gene: BRCA2 (BRCA2 DNA repair associated; plus strand). Cytogenetic location: 13q13.1.
Variant type: single nucleotide variant.
Coding change: c.6541G>C on transcript NM_000059.4 (MANE Select); coding-DNA position 6541, G replaced by C.
Protein change: p.Gly2181Arg; replaces glycine 2181 with arginine.
Molecular consequence: missense variant.
Genome position (GRCh38, 1-based): chr13:32,340,896, G>C. VCF-style: chr13-32340896-G-C. GRCh37 (hg19) VCF-style: chr13-32915033-G-C.
Other names: 6769G>C; short protein forms G2181R.
Identifiers: ClinVar variation 38051 (VCV000038051.31), dbSNP rs371067421, ClinGen allele CA024155.